The following is an entry in ClinVar:

NM_001379291.1(BRD4):c.1009G>A (p.Asp337Asn)

Gene: BRD4 (bromodomain containing 4; minus strand). Cytogenetic location: 19p13.12.
Variant type: single nucleotide variant.
Coding change: c.1009G>A on transcript NM_001379291.1 (MANE Select); coding-DNA position 1009, G replaced by A.
Protein change: p.Asp337Asn; replaces aspartic acid 337 with asparagine.
Molecular consequence: missense variant.
Genome position (GRCh38, 1-based): chr19:15,264,607, C>T on the plus strand (G>A on the coding strand, the complement: BRD4 is on the minus strand). VCF-style: chr19-15264607-C-T. GRCh37 (hg19) VCF-style: chr19-15375418-C-T.
Other names: c.1009G>A, p.Asp337Asn (NM_001330384.2, NM_001379292.1, NM_014299.3 and 1 more transcripts); short protein forms D337N.
Identifiers: ClinVar variation 2575636 (VCV002575636.4), dbSNP rs1471575560, ClinGen allele CA404484490.

ClinVar aggregate classification (germline): Uncertain significance. Review status: criteria provided, multiple submitters, no conflicts (2 of 4 stars). 2 submissions from 2 submitters: Uncertain significance (2). Last evaluated 2025-10-20.

Allele frequency attached by ClinVar (database versions not stated): gnomAD exomes below 0.00001.
gnomAD v4.1: 2 of 1,614,104 alleles (0.00012%); highest among the groups gnomAD compares: South Asian, 0.0011%; no homozygotes.

Submissions (2):

Labcorp Genetics (formerly Invitae), Labcorp
Classification: Uncertain significance. Last evaluated: 2025-10-20. Review status: criteria provided, single submitter. Criteria: Invitae Variant Classification Sherloc (09022015). Collection method: clinical testing. Allele origin: germline.
Comment: This sequence change replaces aspartic acid, which is acidic and polar, with asparagine, which is neutral and polar, at codon 337 of the BRD4 protein (p.Asp337Asn). This variant is present in population databases (no rsID available, gnomAD 0.003%). This variant has not been reported in the literature in individuals affected with BRD4-related conditions. ClinVar contains an entry for this variant (Variation ID: 2575636). Invitae Evidence Modeling of protein sequence and biophysical properties (such as structural, functional, and spatial information, amino acid conservation, physicochemical variation, residue mobility, and thermodynamic stability) has been performed for this missense variant. However, the output from this modeling did not meet the statistical confidence thresholds required to predict the impact of this variant on BRD4 protein function. In summary, the available evidence is currently insufficient to determine the role of this variant in disease. Therefore, it has been classified as a Variant of Uncertain Significance.

GeneDx
Classification: Uncertain significance. Last evaluated: 2023-02-13. Review status: criteria provided, single submitter. Criteria: GeneDx Variant Classification Process June 2021. Collection method: clinical testing. Allele origin: germline. Affected: yes.
Comment: In silico analysis supports that this missense variant has a deleterious effect on protein structure/function; Has not been previously published as pathogenic or benign to our knowledge